The following is an entry in ClinVar:

NM_144997.7(FLCN):c.319_320del (p.Val107fs)

Gene: FLCN (folliculin; minus strand). Cytogenetic location: 17p11.2.
Variant type: Deletion.
Coding change: c.319_320del on transcript NM_144997.7 (MANE Select); coding-DNA positions 319 to 320, 2 bases deleted (GT; older notation c.319_320delGT).
Protein change: p.Val107fs; shifts the reading frame from valine 107.
Molecular consequence: frameshift variant.
Genome position (GRCh38, 1-based): chr17:17,226,252-17,226,253, AC deleted on the plus strand (GT on the coding strand, the reverse complement: FLCN is on the minus strand). VCF-style (leftmost placement, unchanged base first): chr17-17226251-GAC-G. GRCh37 (hg19) VCF-style: chr17-17129565-GAC-G.
Other names: c.319_320del, p.Val107fs (NM_001353229.2, NM_001353230.2, NM_001353231.2 and 1 more transcripts); short protein forms V107fs.
Identifiers: ClinVar variation 1068460 (VCV001068460.1), dbSNP rs2145012275, ClinGen allele CA2499223926.

ClinVar aggregate classification (germline): Pathogenic (1 of 4 stars; one submission).

Conditions:
Birt-Hogg-Dube syndrome. Also called: Birt Hogg Dubé syndrome. Identifiers: Orphanet 122, MedGen C0346010, MONDO:0800444.

Submission:

Labcorp Genetics (formerly Invitae), Labcorp
Classification: Pathogenic for Birt-Hogg-Dube syndrome. Last evaluated: 2017-12-14. Review status: criteria provided, single submitter. Criteria: Invitae Variant Classification Sherloc (09022015). Collection method: clinical testing. Allele origin: germline.
Comment: This sequence change creates a premature translational stop signal (p.Val107Hisfs*26) in the FLCN gene. It is expected to result in an absent or disrupted protein product. This variant is not present in population databases (ExAC no frequency). This variant has been in several families affected with Birt-Hogg-DubâˆšÂ© syndrome (PMID: 18234728, 22146830). In addition, this variant has been reported to segregate with disease in one of these families (PMID: 18234728). It is also known as c.774-5delGTinsCAC in the literature. ClinVar contains an entry for this variant (Variation ID: 96483). Loss-of-function variants in FLCN are known to be pathogenic (PMID: 15852235). For these reasons, this variant has been classified as Pathogenic.

Literature cited by the submitters: PubMed 18234728; PubMed 22146830; PubMed 15852235.